The following is an entry in ClinVar:

NM_014000.3(VCL):c.254G>T (p.Cys85Phe)

Gene: VCL (vinculin; plus strand). Cytogenetic location: 10q22.2.
Variant type: single nucleotide variant.
Coding change: c.254G>T on transcript NM_014000.3 (MANE Select); coding-DNA position 254, G replaced by T.
Protein change: p.Cys85Phe; replaces cysteine 85 with phenylalanine.
Molecular consequence: missense variant.
Genome position (GRCh38, 1-based): chr10:74,070,684, G>T. VCF-style: chr10-74070684-G-T. GRCh37 (hg19) VCF-style: chr10-75830442-G-T.
Other names: c.254G>T, p.Cys85Phe (NM_003373.4); short protein forms C85F.
Identifiers: ClinVar variation 2178062 (VCV002178062.5), dbSNP rs1017527931, ClinGen allele CA209692274.

ClinVar aggregate classification (germline): Uncertain significance. Review status: criteria provided, multiple submitters, no conflicts (2 of 4 stars). 2 submissions from 2 submitters: Uncertain significance (2). Last evaluated 2024-11-24.

Conditions:
Dilated cardiomyopathy 1W (CMD1W). Identifiers: Orphanet 154, MedGen C1969639, MONDO:0012667, OMIM 611407.
Cardiovascular phenotype. Identifiers: MedGen CN230736.

Allele frequency attached by ClinVar (database versions not stated): TOPMed below 0.00001; gnomAD 0.00001; gnomAD exomes 0.00002.
gnomAD v4.1: 34 of 1,613,986 alleles (0.0021%); highest among the groups gnomAD compares: Non-Finnish European, 0.0027%; no homozygotes.

Submissions (2):

Labcorp Genetics (formerly Invitae), Labcorp
Classification: Uncertain significance for Dilated cardiomyopathy 1W. Last evaluated: 2024-11-24. Review status: criteria provided, single submitter. Criteria: Invitae Variant Classification Sherloc (09022015). Collection method: clinical testing. Allele origin: germline.
Comment: This sequence change replaces cysteine, which is neutral and slightly polar, with phenylalanine, which is neutral and non-polar, at codon 85 of the VCL protein (p.Cys85Phe). This variant is present in population databases (no rsID available, gnomAD 0.003%). This variant has not been reported in the literature in individuals affected with VCL-related conditions. ClinVar contains an entry for this variant (Variation ID: 2178062). An algorithm developed to predict the effect of missense changes on protein structure and function (PolyPhen-2) suggests that this variant is likely to be disruptive. In summary, the available evidence is currently insufficient to determine the role of this variant in disease. Therefore, it has been classified as a Variant of Uncertain Significance.

Ambry Genetics
Classification: Uncertain significance for Cardiovascular phenotype. Last evaluated: 2022-11-04. Review status: criteria provided, single submitter. Criteria: Ambry Variant Classification Scheme 2023. Collection method: clinical testing. Allele origin: germline.
Comment: The p.C85F variant (also known as c.254G>T), located in coding exon 3 of the VCL gene, results from a G to T substitution at nucleotide position 254. The cysteine at codon 85 is replaced by phenylalanine, an amino acid with highly dissimilar properties. This amino acid position is conserved. In addition, the in silico prediction for this alteration is inconclusive. Since supporting evidence is limited at this time, the clinical significance of this alteration remains unclear.